The following is an entry in ClinVar:

ClinVar aggregate classification (germline): Uncertain significance (1 of 4 stars; one submission).

Conditions:
Cardiomyopathy (CMYO). Also called: Cardiomyopathies. Identifiers: Orphanet 167848, MedGen C0878544, MONDO:0004994, HP:0001638. Inheritance: Various modes of inheritance.

Allele frequency attached by ClinVar (database versions not stated): gnomAD 0.00001.

Submission:

Color Diagnostics, LLC DBA Color Health
Classification: Uncertain significance for Cardiomyopathy. Last evaluated: 2022-03-17. Review status: criteria provided, single submitter. Criteria: ACMG Guidelines, 2015. Collection method: clinical testing. Allele origin: germline.
Comment: This variant changes 1 nucleotide in exon 13 of the TNNT2 gene, creating a premature translation stop signal. This variant is expected to result in an absent or non-functional protein product. To our knowledge, this variant has not been reported in individuals affected with cardiovascular disorders in the literature. This variant has not been identified in the general population by the Genome Aggregation Database (gnomAD). Clinical relevance of loss-of-function TNNT2 truncation variants in autosomal dominant cardiovascular disorders is not clearly established. The available evidence is insufficient to determine the role of this variant in disease conclusively. Therefore, this variant is classified as a Variant of Uncertain Significance.

NM_001276345.2(TNNT2):c.634C>T (p.Gln212Ter)

Gene: TNNT2 (troponin T2, cardiac type; minus strand). Cytogenetic location: 1q32.1.
Variant type: single nucleotide variant.
Coding change: c.634C>T on transcript NM_001276345.2 (MANE Select); coding-DNA position 634, C replaced by T.
Protein change: p.Gln212Ter; replaces glutamine 212 with a stop codon.
Molecular consequence: nonsense.
Genome position (GRCh38, 1-based): chr1:201,361,998, G>A on the plus strand (C>T on the coding strand, the complement: TNNT2 is on the minus strand). VCF-style: chr1-201361998-G-A. GRCh37 (hg19) VCF-style: chr1-201331126-G-A.
Other names: c.625C>T, p.Gln209Ter (NM_000364.4, NM_001406723.1); c.604C>T, p.Gln202Ter (NM_001001430.3, NM_001276347.2, NM_001406724.1); c.595C>T, p.Gln199Ter (NM_001001431.3, NM_001406726.1, NM_001406727.1); c.586C>T, p.Gln196Ter (NM_001001432.3); c.505C>T, p.Gln169Ter (NM_001276346.2); c.601C>T, p.Gln201Ter (NM_001406725.1); c.589C>T, p.Gln197Ter (NM_001406728.1); short protein forms Q197*, Q201*, Q202*, Q209*, Q169*, Q196*, Q199*, Q212*.
Identifiers: ClinVar variation 2774633 (VCV002774633.2), dbSNP rs1658733973, ClinGen allele CA344203902.